The following is an entry in ClinVar:

NM_005208.5(CRYBA1):c.215+5G>A

Gene: CRYBA1 (crystallin beta A1; plus strand). Cytogenetic location: 17q11.2.
Variant type: single nucleotide variant.
Coding change: c.215+5G>A on transcript NM_005208.5 (MANE Select); 5 bases into the intron after coding-DNA position 215, G replaced by A.
Molecular consequence: intron variant.
Genome position (GRCh38, 1-based): chr17:29,250,305, G>A. VCF-style: chr17-29250305-G-A. GRCh37 (hg19) VCF-style: chr17-27577323-G-A.
Identifiers: ClinVar variation 2748316 (VCV002748316.3), dbSNP rs2545739831, ClinGen allele CA2636943047.

ClinVar aggregate classification (germline): Uncertain significance (1 of 4 stars; one submission).

Conditions:
Cataract 10 multiple types. Also called: CATARACT 10, CONGENITAL ZONULAR, WITH SUTURAL OPACITIES. Identifiers: Orphanet 91492, MedGen C1833229, MONDO:0010948, OMIM 600881.

Submission:

Labcorp Genetics (formerly Invitae), Labcorp
Classification: Uncertain significance for Cataract 10 multiple types. Last evaluated: 2023-07-29. Review status: criteria provided, single submitter. Criteria: Invitae Variant Classification Sherloc (09022015). Collection method: clinical testing. Allele origin: germline.
Comment: This variant has not been reported in the literature in individuals affected with CRYBA1-related conditions. This variant is not present in population databases (gnomAD no frequency). This sequence change falls in intron 3 of the CRYBA1 gene. It does not directly change the encoded amino acid sequence of the CRYBA1 protein. It affects a nucleotide within the consensus splice site. In summary, the available evidence is currently insufficient to determine the role of this variant in disease. Therefore, it has been classified as a Variant of Uncertain Significance. Variants that disrupt the consensus splice site are a relatively common cause of aberrant splicing (PMID: 17576681, 9536098). Algorithms developed to predict the effect of sequence changes on RNA splicing suggest that this variant may disrupt the consensus splice site.

Literature cited by the submitters: PubMed 17576681; PubMed 9536098.